The following is an entry in ClinVar:

ClinVar aggregate classification (germline): Uncertain significance (1 of 4 stars; one submission).

Conditions:
Hereditary factor IX deficiency disease (HEMB). Also called: F9 DEFICIENCY; FACTOR IX DEFICIENCY; PLASMA THROMBOPLASTIN COMPONENT DEFICIENCY; Hemophilia B; Christmas Disease. Identifiers: Orphanet 98879, MedGen C0008533, MeSH D002836, MONDO:0010604, OMIM 306900.

Submission:

ISTH-SSC Genomics in Thrombosis and Hemostasis, KU Leuven, Center for Molecular and Vascular Biology
Classification: Uncertain significance for Hereditary factor IX deficiency disease. Review status: criteria provided, single submitter. Criteria: ACMG Guidelines, 2015. Collection method: research. Allele origin: unknown. Inheritance: X-linked inheritance. Affected: yes.
Comment: Gold Variant submitter: Dr Karyn Megy, NIHR Bioresource - Cambridge University, UK

Literature cited by the submitters: PubMed 34355501.

Single allele

Gene: F9 (coagulation factor IX; plus strand). Cytogenetic location: Xq27.1.
Variant type: Duplication.
Identifiers: ClinVar variation 1333007 (VCV001333007.2).